The following is an entry in ClinVar:

ClinVar aggregate classification (germline): Uncertain significance (1 of 4 stars; one submission).

Conditions:
CHARGE syndrome (CHARGE). Also called: Hittner Hirsch Kreh syndrome; CHARGE ASSOCIATION--COLOBOMA, HEART ANOMALY, CHOANAL ATRESIA, RETARDATION, GENITAL AND EAR ANOMALIES; Coloboma, heart anomaly, choanal atresia, retardation, genital and ear anomalies; CHARGE association; Hall-Hittner syndrome. Identifiers: Orphanet 138, MedGen C0265354, MONDO:0008965.

Submission:

Labcorp Genetics (formerly Invitae), Labcorp
Classification: Uncertain significance for CHARGE syndrome. Last evaluated: 2025-03-13. Review status: criteria provided, single submitter. Criteria: Invitae Variant Classification Sherloc (09022015). Collection method: clinical testing. Allele origin: germline.
Comment: This sequence change replaces aspartic acid, which is acidic and polar, with histidine, which is basic and polar, at codon 1385 of the CHD7 protein (p.Asp1385His). This variant is not present in population databases (gnomAD no frequency). This variant has not been reported in the literature in individuals affected with CHD7-related conditions. Invitae Evidence Modeling of protein sequence and biophysical properties (such as structural, functional, and spatial information, amino acid conservation, physicochemical variation, residue mobility, and thermodynamic stability) indicates that this missense variant is expected to disrupt CHD7 protein function with a positive predictive value of 95%. Algorithms developed to predict the effect of sequence changes on RNA splicing suggest that this variant may disrupt the consensus splice site. In summary, the available evidence is currently insufficient to determine the role of this variant in disease. Therefore, it has been classified as a Variant of Uncertain Significance.

NM_017780.4(CHD7):c.4153G>C (p.Asp1385His)

Gene: CHD7 (chromodomain helicase DNA binding protein 7; plus strand). Cytogenetic location: 8q12.2.
Variant type: single nucleotide variant.
Coding change: c.4153G>C on transcript NM_017780.4 (MANE Select); coding-DNA position 4153, G replaced by C.
Protein change: p.Asp1385His; replaces aspartic acid 1385 with histidine.
Molecular consequence: missense variant. On other transcripts: intron variant (1).
Genome position (GRCh38, 1-based): chr8:60,836,980, G>C. VCF-style: chr8-60836980-G-C. GRCh37 (hg19) VCF-style: chr8-61749539-G-C.
Other names: c.1717-25249G>C (NM_001316690.1); short protein forms D1385H.
Identifiers: ClinVar variation 4746295 (VCV004746295.1).